The following is an entry in ClinVar:

ClinVar aggregate classification (germline): Conflicting classifications of pathogenicity. Review status: criteria provided, conflicting classifications (1 of 4 stars). 4 submissions from 4 submitters: Uncertain significance (3); Likely benign (1). Last evaluated 2025-12-03.

Conditions:
Retinitis pigmentosa (RP). Identifiers: Orphanet 791, MedGen C0035334, MeSH D012174, MONDO:0019200, OMIM 268000. Inheritance: Autosomal dominant, autosomal recessive and X linked inheritance.

Allele frequency attached by ClinVar (database versions not stated): ESP Exome Variant Server 0.00008; ExAC 0.00021; gnomAD exomes 0.00027 and 0.00037; 1000 Genomes Project 30x 0.00094; gnomAD 0.00053 and 0.00056; 1000 Genomes Project 0.00080; TOPMed 0.00091.
gnomAD v4.1: 639 of 1,612,238 alleles (0.04%); highest among the groups gnomAD compares: Admixed American, 0.13%; 2 homozygotes.

Submissions (4):

Labcorp Genetics (formerly Invitae), Labcorp
Classification: Uncertain significance. Last evaluated: 2025-12-03. Review status: criteria provided, single submitter. Criteria: Invitae Variant Classification Sherloc (09022015). Collection method: clinical testing. Allele origin: germline.
Comment: This sequence change replaces threonine, which is neutral and polar, with methionine, which is neutral and non-polar, at codon 108 of the ROM1 protein (p.Thr108Met). This variant is present in population databases (rs146358003, gnomAD 0.04%). This missense change has been observed in individual(s) with clinical features of retinitis pigmentosa (PMID: 8595413, 9187681, 24265693). ClinVar contains an entry for this variant (Variation ID: 193088). An algorithm developed to predict the effect of missense changes on protein structure and function (PolyPhen-2) suggests that this variant is likely to be disruptive. In summary, the available evidence is currently insufficient to determine the role of this variant in disease. Therefore, it has been classified as a Variant of Uncertain Significance.

Blueprint Genetics
Classification: Likely benign. Last evaluated: 2024-08-12. Review status: criteria provided, single submitter. Criteria: ACMG Guidelines, 2015. Collection method: clinical testing. Allele origin: germline.

Illumina Laboratory Services, Illumina
Classification: Uncertain significance for Retinitis pigmentosa. Last evaluated: 2017-04-27. Review status: criteria provided, single submitter. Criteria: ICSL Variant Classification Criteria 13 December 2019. Collection method: clinical testing. Allele origin: germline.

Eurofins Ntd Llc (ga)
Classification: Uncertain significance. Last evaluated: 2014-10-28. Review status: criteria provided, single submitter. Criteria: EGL Classification Definitions 2015. Collection method: clinical testing. Allele origin: germline. Observed: 1 variant allele, 1 heterozygote.

Literature cited by the submitters: PubMed 8595413 (cited by Labcorp Genetics (formerly Invitae), Labcorp and Eurofins Ntd Llc (ga)); PubMed 9187681 (cited by Labcorp Genetics (formerly Invitae), Labcorp); PubMed 24265693 (cited by Labcorp Genetics (formerly Invitae), Labcorp).

NM_000327.4(ROM1):c.323C>T (p.Thr108Met)

Gene: ROM1 (retinal outer segment membrane protein 1; plus strand). Cytogenetic location: 11q12.3.
Variant type: single nucleotide variant.
Coding change: c.323C>T on transcript NM_000327.4 (MANE Select); coding-DNA position 323, C replaced by T.
Protein change: p.Thr108Met; replaces threonine 108 with methionine.
Molecular consequence: missense variant.
Genome position (GRCh38, 1-based): chr11:62,613,604, C>T. VCF-style: chr11-62613604-C-T. GRCh37 (hg19) VCF-style: chr11-62381076-C-T.
Other names: short protein forms T108M.
Identifiers: ClinVar variation 193088 (VCV000193088.17), dbSNP rs146358003, ClinGen allele CA238597.